The following is an entry in ClinVar:

ClinVar aggregate classification (germline): Pathogenic (1 of 4 stars; one submission).

Submission:

GeneDx
Classification: Pathogenic. Last evaluated: 2016-05-03. Review status: criteria provided, single submitter. Criteria: GeneDx Variant Classification (06012015). Collection method: clinical testing. Allele origin: germline. Affected: yes.
Comment: The G876X nonsense variant in the PTCH1 gene is predicted to cause loss of normal protein functioneither through protein truncation or nonsense-mediated mRNA decay. It was not observed inapproximately 6,500 individuals of European and African American ancestry in the NHLBI ExomeSequencing Project, indicating it is not a common benign variant in these populations. Although thisvariant has not been reported previously, we interpret it as pathogenic.

NM_000264.5(PTCH1):c.2626G>T (p.Gly876Ter)

Gene: PTCH1 (patched 1; minus strand). Cytogenetic location: 9q22.32.
Variant type: single nucleotide variant.
Coding change: c.2626G>T on transcript NM_000264.5 (MANE Select); coding-DNA position 2626, G replaced by T.
Protein change: p.Gly876Ter; replaces glycine 876 with a stop codon.
Molecular consequence: nonsense. On other transcripts: non-coding transcript variant (1).
Genome position (GRCh38, 1-based): chr9:95,461,933, C>A on the plus strand (G>T on the coding strand, the complement: PTCH1 is on the minus strand). VCF-style: chr9-95461933-C-A. GRCh37 (hg19) VCF-style: chr9-98224215-C-A.
Other names: c.2428G>T, p.Gly810Ter (NM_001083602.3); c.2623G>T, p.Gly875Ter (NM_001083603.3); c.2173G>T, p.Gly725Ter (NM_001083604.3, NM_001083605.3, NM_001083606.3 and 1 more transcripts); c.2470G>T, p.Gly824Ter (NM_001354918.2); short protein forms G810*, G876*, G725*, G824*, G875*.
Identifiers: ClinVar variation 430055 (VCV000430055.2), dbSNP rs1131691758, ClinGen allele CA374113441.